The following is an entry in ClinVar:

NM_014727.3(KMT2B):c.1269TCC[1] (p.Pro427del)

Gene: KMT2B (lysine methyltransferase 2B; plus strand). Cytogenetic location: 19q13.12.
Variant type: Microsatellite.
Coding change: c.1269TCC[1] on transcript NM_014727.3 (MANE Select); one copy of the 3-base unit TCC starting at c.1269; the reference has two copies in a row; one copy, 3 bases deleted.
Protein change: p.Pro427del; deletes proline 427.
Molecular consequence: inframe deletion.
Genome position (GRCh38, 1-based): chr19:35,720,619-35,720,621, TCC deleted; deleting any 3 consecutive bases within chr19:35,720,615-35,720,621 gives the same sequence; the position shown is the placement nearest the transcript's 3' end. VCF-style (leftmost placement, unchanged base first): chr19-35720614-TCTC-T. GRCh37 (hg19) VCF-style: chr19-36211516-TCTC-T.
Other names: c.1272_1274delTCC (NM_014727.1); short protein forms P427del.
Identifiers: ClinVar variation 2176309 (VCV002176309.28), dbSNP rs769871819, ClinGen allele CA9384207.

ClinVar aggregate classification (germline): Benign/Likely benign. Review status: criteria provided, multiple submitters, no conflicts (2 of 4 stars). 3 submissions from 3 submitters: Benign (1); Likely benign (2). Last evaluated 2026-03-01.

Conditions:
Inborn genetic diseases. Identifiers: MedGen C0950123, MeSH D030342.

Submissions (3):

CeGaT Center for Human Genetics Tuebingen
Classification: Likely benign. Last evaluated: 2026-03-01. Review status: criteria provided, single submitter. Criteria: CeGaT Center For Human Genetics Tuebingen Variant Classification Criteria Version 2. Collection method: clinical testing. Allele origin: germline. Affected: yes. Observed: 3 variant alleles.
Comment: KMT2B: BS1

Labcorp Genetics (formerly Invitae), Labcorp
Classification: Benign. Last evaluated: 2025-09-27. Review status: criteria provided, single submitter. Criteria: Invitae Variant Classification Sherloc (09022015). Collection method: clinical testing. Allele origin: germline.

Ambry Genetics
Classification: Likely benign for Inborn genetic diseases. Last evaluated: 2023-06-29. Review status: criteria provided, single submitter. Criteria: Ambry Variant Classification Scheme 2023. Collection method: clinical testing. Allele origin: germline.